The following is an entry in ClinVar:

NM_000283.4(PDE6B):c.752C>T (p.Thr251Met)

Genes: PDE6B-AS1 (PDE6B antisense RNA 1; minus strand), PDE6B (phosphodiesterase 6B; plus strand). Cytogenetic location: 4p16.3.
Variant type: single nucleotide variant.
Coding change: c.752C>T on transcript NM_000283.4 (MANE Select); coding-DNA position 752, C replaced by T.
Protein change: p.Thr251Met; replaces threonine 251 with methionine.
Molecular consequence: missense variant. On other transcripts: 5 prime UTR variant (5).
Genome position (GRCh38, 1-based): chr4:653,892, C>T. VCF-style: chr4-653892-C-T. GRCh37 (hg19) VCF-style: chr4-647681-C-T.
Other names: c.752C>T, p.Thr251Met (NM_001145291.2); c.-86C>T (NM_001145292.2, NM_001350154.3, NM_001379246.1 and 1 more transcripts); c.-289C>T (NM_001350155.3); short protein forms T251M.
Identifiers: ClinVar variation 1057390 (VCV001057390.12), dbSNP rs747155909, ClinGen allele CA2794106.

ClinVar aggregate classification (germline): Uncertain significance. Review status: criteria provided, multiple submitters, no conflicts (2 of 4 stars). 2 submissions from 2 submitters: Uncertain significance (2). Last evaluated 2025-01-06.

Allele frequency attached by ClinVar (database versions not stated): TOPMed below 0.00001; gnomAD 0.00001; gnomAD exomes 0.00001; ExAC 0.00002.
gnomAD v4.1: 12 of 1,613,816 alleles (0.00074%); highest among the groups gnomAD compares: South Asian, 0.0055%; 1 homozygote.

Submissions (2):

Labcorp Genetics (formerly Invitae), Labcorp
Classification: Uncertain significance. Last evaluated: 2025-01-06. Review status: criteria provided, single submitter. Criteria: Invitae Variant Classification Sherloc (09022015). Collection method: clinical testing. Allele origin: germline.
Comment: This sequence change replaces threonine, which is neutral and polar, with methionine, which is neutral and non-polar, at codon 251 of the PDE6B protein (p.Thr251Met). This variant is present in population databases (rs747155909, gnomAD 0.003%). This variant has not been reported in the literature in individuals affected with PDE6B-related conditions. ClinVar contains an entry for this variant (Variation ID: 1057390). Invitae Evidence Modeling of protein sequence and biophysical properties (such as structural, functional, and spatial information, amino acid conservation, physicochemical variation, residue mobility, and thermodynamic stability) has been performed for this missense variant. However, the output from this modeling did not meet the statistical confidence thresholds required to predict the impact of this variant on PDE6B protein function. In summary, the available evidence is currently insufficient to determine the role of this variant in disease. Therefore, it has been classified as a Variant of Uncertain Significance.

Blueprint Genetics
Classification: Uncertain significance. Last evaluated: 2021-06-16. Review status: criteria provided, single submitter. Criteria: ACMG Guidelines, 2015. Collection method: clinical testing. Allele origin: germline.